The following is an entry in ClinVar:

NM_001322131.2(ZNF160):c.1305G>A (p.Arg435=)

Gene: ZNF160 (zinc finger protein 160; minus strand). Cytogenetic location: 19q13.41.
Variant type: single nucleotide variant.
Coding change: c.1305G>A on transcript NM_001322131.2 (MANE Select); coding-DNA position 1305, G replaced by A.
Protein change: p.Arg435=; no amino-acid change (arginine 435 retained).
Molecular consequence: synonymous variant.
Genome position (GRCh38, 1-based): chr19:53,069,229, C>T on the plus strand (G>A on the coding strand, the complement: ZNF160 is on the minus strand). VCF-style: chr19-53069229-C-T. GRCh37 (hg19) VCF-style: chr19-53572482-C-T.
Other names: c.1197G>A, p.Arg399= (NM_001322138.2, NM_001322139.2, NM_001322137.2); c.1305G>A, p.Arg435= (NM_033288.4, NM_198893.3, NM_001102603.2 and 8 more transcripts).
Identifiers: ClinVar variation 2650404 (VCV002650404.24), dbSNP rs145975178, ClinGen allele CA9630372.
Genomic context (GRCh38, chr19:53,069,229, plus strand): 5'-ACACTTGTAAGGTTTCTCACCAGTATGAACTCTCCGATGCCTTCCGAGGTATGAATTGTA[C>T]CTAAAGACTTTGCCACATTCATTACATTTGTAAGGTTTTTCTCCAGTGTGGATTGTCTGA-3'
Protein context (NP_001309060.1, residues 425-445): YKCNECGKVF[Arg435=]YNSYLGRHRR

ClinVar aggregate classification (germline): Likely benign (1 of 4 stars; one submission).

Allele frequency attached by ClinVar (database versions not stated): gnomAD exomes 0.00016; ExAC 0.00053; gnomAD 0.00153; 1000 Genomes Project 0.00180; TOPMed 0.00199; 1000 Genomes Project 30x 0.00203; ESP Exome Variant Server 0.00231.

Submission:

CeGaT Center for Human Genetics Tuebingen
Classification: Likely benign. Last evaluated: 2022-12-01. Review status: criteria provided, single submitter. Criteria: CeGaT Center For Human Genetics Tuebingen Variant Classification Criteria Version 2. Collection method: clinical testing. Allele origin: germline. Affected: yes. Observed: 1 variant allele.
Comment: ZNF160: BP4, BP7